The following is an entry in ClinVar:

NM_001089.3(ABCA3):c.3907dup (p.Val1303fs)

Gene: ABCA3 (ATP binding cassette subfamily A member 3; minus strand). Cytogenetic location: 16p13.3.
Variant type: Duplication.
Coding change: c.3907dup on transcript NM_001089.3 (MANE Select); coding-DNA position 3907, one base duplicated (G; older notation c.3907dupG).
Protein change: p.Val1303fs; shifts the reading frame from valine 1303.
Molecular consequence: frameshift variant.
Genome position (GRCh38, 1-based): chr16:2,283,314, C duplicated on the plus strand (G on the coding strand, the reverse complement: ABCA3 is on the minus strand); the first of 5 consecutive C bases (chr16:2,283,314-2,283,318); duplicating any one gives the same sequence. VCF-style (leftmost placement, unchanged base first): chr16-2283313-A-AC. GRCh37 (hg19) VCF-style: chr16-2333314-A-AC.
Other names: short protein forms V1303fs.
Identifiers: ClinVar variation 5014748 (VCV005014748.1).

ClinVar aggregate classification (germline): Pathogenic (1 of 4 stars; one submission).

Conditions:
Interstitial lung disease due to ABCA3 deficiency. Also called: PULMONARY ALVEOLAR PROTEINOSIS, CONGENITAL, 3. Identifiers: Orphanet 440402, MedGen C1970456, MONDO:0012582, OMIM 610921.

Submission:

Myriad Genetics, Inc.
Classification: Pathogenic for Interstitial lung disease due to ABCA3 deficiency. Last evaluated: 2025-07-20. Review status: criteria provided, single submitter. Criteria: Myriad Autosomal Dominant, Autosomal Recessive and X-Linked Classification Criteria (2023). Collection method: clinical testing. Allele origin: unknown.
Comment: NM_001089.2(ABCA3):c.3907dupG(V1303Gfs*55) is expected to be pathogenic in the context of surfactant deficiency, ABCA3-related. This variant is predicted to lead to an abnormal or absent protein product due to the creation of a premature termination codon in ABCA3, a gene where loss-of-function variants are known to be pathogenic. Please note: this variant was assessed in the context of healthy population screening.